The following is an entry in ClinVar:

NM_015161.3(ARL6IP1):c.260T>C (p.Leu87Pro)

Gene: ARL6IP1 (ARL6 interacting reticulophagy regulator 1; minus strand). Cytogenetic location: 16p12.3.
Variant type: single nucleotide variant.
Coding change: c.260T>C on transcript NM_015161.3 (MANE Select); coding-DNA position 260, T replaced by C.
Protein change: p.Leu87Pro; replaces leucine 87 with proline.
Molecular consequence: missense variant.
Genome position (GRCh38, 1-based): chr16:18,797,955, A>G on the plus strand (T>C on the coding strand, the complement: ARL6IP1 is on the minus strand). VCF-style: chr16-18797955-A-G. GRCh37 (hg19) VCF-style: chr16-18809277-A-G.
Other names: c.173T>C, p.Leu58Pro (NM_001313858.1); short protein forms L58P, L87P.
Identifiers: ClinVar variation 2159213 (VCV002159213.4), dbSNP rs2506668918, ClinGen allele CA394912082.

ClinVar aggregate classification (germline): Uncertain significance (1 of 4 stars; one submission).

Conditions:
Hereditary spastic paraplegia 61. Also called: Spastic paraplegia 61, autosomal recessive. Identifiers: Orphanet 401780, MedGen C3810294, MONDO:0014304, OMIM 615685.

Submission:

Labcorp Genetics (formerly Invitae), Labcorp
Classification: Uncertain significance for Hereditary spastic paraplegia 61. Last evaluated: 2023-07-10. Review status: criteria provided, single submitter. Criteria: Invitae Variant Classification Sherloc (09022015). Collection method: clinical testing. Allele origin: germline.
Comment: This variant is not present in population databases (gnomAD no frequency). This variant has not been reported in the literature in individuals affected with ARL6IP1-related conditions. ClinVar contains an entry for this variant (Variation ID: 2159213). An algorithm developed to predict the effect of missense changes on protein structure and function (PolyPhen-2) suggests that this variant is likely to be tolerated. In summary, the available evidence is currently insufficient to determine the role of this variant in disease. Therefore, it has been classified as a Variant of Uncertain Significance. This sequence change replaces leucine, which is neutral and non-polar, with proline, which is neutral and non-polar, at codon 87 of the ARL6IP1 protein (p.Leu87Pro).